The following is an entry in ClinVar:

ClinVar aggregate classification (germline): Uncertain significance. Review status: criteria provided, multiple submitters, no conflicts (2 of 4 stars). 2 submissions from 2 submitters: Uncertain significance (2). Last evaluated 2024-08-27.

Conditions:
Hereditary intrinsic factor deficiency (IFD). Also called: Congenital intrinsic factor deficiency; PERNICIOUS ANEMIA, CONGENITAL, DUE TO DEFECT OF INTRINSIC FACTOR. Identifiers: Orphanet 332, MedGen C2062370, MONDO:0009852, OMIM 261000.

Allele frequency attached by ClinVar (database versions not stated): ExAC 0.00011; ESP Exome Variant Server 0.00015; 1000 Genomes Project 30x 0.00016; 1000 Genomes Project 0.00020; gnomAD 0.00027; TOPMed 0.00037.

Submissions (2):

Ambry Genetics
Classification: Uncertain significance. Last evaluated: 2024-08-27. Review status: criteria provided, single submitter. Criteria: Ambry Variant Classification Scheme 2023. Collection method: clinical testing. Allele origin: germline.

Labcorp Genetics (formerly Invitae), Labcorp
Classification: Uncertain significance for Hereditary intrinsic factor deficiency. Last evaluated: 2022-08-19. Review status: criteria provided, single submitter. Criteria: Invitae Variant Classification Sherloc (09022015). Collection method: clinical testing. Allele origin: germline.
Comment: This variant is present in population databases (rs143526872, gnomAD 0.08%). In summary, the available evidence is currently insufficient to determine the role of this variant in disease. Therefore, it has been classified as a Variant of Uncertain Significance. Algorithms developed to predict the effect of missense changes on protein structure and function (SIFT, PolyPhen-2, Align-GVGD) all suggest that this variant is likely to be tolerated. This variant has not been reported in the literature in individuals affected with GIF-related conditions. This sequence change replaces arginine, which is basic and polar, with cysteine, which is neutral and slightly polar, at codon 352 of the GIF protein (p.Arg352Cys).

NM_005142.3(CBLIF):c.1054C>T (p.Arg352Cys)

Gene: CBLIF (cobalamin binding intrinsic factor; minus strand). Cytogenetic location: 11q12.1.
Variant type: single nucleotide variant.
Coding change: c.1054C>T on transcript NM_005142.3 (MANE Select); coding-DNA position 1054, C replaced by T.
Protein change: p.Arg352Cys; replaces arginine 352 with cysteine.
Molecular consequence: missense variant.
Genome position (GRCh38, 1-based): chr11:59,835,827, G>A on the plus strand (C>T on the coding strand, the complement: CBLIF is on the minus strand). VCF-style: chr11-59835827-G-A. GRCh37 (hg19) VCF-style: chr11-59603300-G-A.
Other names: c.1054C>T (NM_005142.2); short protein forms R352C.
Identifiers: ClinVar variation 2173100 (VCV002173100.4), dbSNP rs143526872, ClinGen allele CA6021423.
Genomic context (GRCh38, chr11:59,835,827, plus strand): 5'-CAGGCCTTGAGAGAATGATGAATGACATTTGTAATACTCACTTGAACATAGGATTTTTGC[G>A]CTGTGCTTCCTCTAGGACAACAAGTAACACTGACCCACTTTTCACACTAACATTGATGGT-3'
Protein context (NP_005133.2, residues 342-362): VLLVVLEEAQ[Arg352Cys]KNPMFKFETT